The following is an entry in ClinVar:

ClinVar aggregate classification (germline): Conflicting classifications of pathogenicity. Review status: criteria provided, conflicting classifications (1 of 4 stars). 9 submissions from 9 submitters: Pathogenic (3); Likely pathogenic (3); Uncertain significance (1). 2 of the submissions do not count toward it. Last evaluated 2026-01-07.

Conditions:
Cardiovascular phenotype. Identifiers: MedGen CN230736.
Hypertrophic cardiomyopathy 12. Identifiers: MedGen C2677491, MONDO:0012804, OMIM 612124.
Dilated cardiomyopathy 1M (CMD1M). Identifiers: Orphanet 154, MedGen C1843808, MONDO:0011840, OMIM 607482.
Cardiomyopathy (CMYO). Also called: Cardiomyopathies. Identifiers: Orphanet 167848, MedGen C0878544, MONDO:0004994, HP:0001638. Inheritance: Various modes of inheritance.

Allele frequency attached by ClinVar (database versions not stated): gnomAD exomes 0.00001; TOPMed 0.00002.
gnomAD v4.1: 10 of 1,614,142 alleles (0.00062%); highest among the groups gnomAD compares: African/African-American, 0.0053%; no homozygotes.

Submissions (9):

Ambry Genetics
Classification: Pathogenic for Cardiovascular phenotype. Last evaluated: 2026-01-07. Review status: criteria provided, single submitter. Criteria: Ambry Variant Classification Scheme 2023. Collection method: clinical testing. Allele origin: germline.
Comment: The p.R122* pathogenic mutation (also known as c.364C>T), located in coding exon 3 of the CSRP3 gene, results from a C to T substitution at nucleotide position 364. This changes the amino acid from an arginine to a stop codon within coding exon 3. This variant was reported in individual(s) with features consistent with CSRP3-related hypertrophic cardiomyopathy (Lipari M et al. Pol Arch Intern Med, 2020 Feb;130:89-99; VanDyke RE et al. J Genet Couns, 2021 Apr;30:503-512; Huang H et al. J Gene Med, 2022 Jan;24:e3390). This alteration is expected to result in loss of function by premature protein truncation or nonsense-mediated mRNA decay. As such, this alteration is interpreted as a disease-causing mutation; however, in the heterozygous state, this variant may present with reduced penetrance and expressivity.

Labcorp Genetics (formerly Invitae), Labcorp
Classification: Pathogenic for Hypertrophic cardiomyopathy 12; Dilated cardiomyopathy 1M. Last evaluated: 2025-12-17. Review status: criteria provided, single submitter. Criteria: Invitae Variant Classification Sherloc (09022015). Collection method: clinical testing. Allele origin: germline.
Comment: This sequence change creates a premature translational stop signal (p.Arg122*) in the CSRP3 gene. It is expected to result in an absent or disrupted protein product. Loss-of-function variants in CSRP3 are known to be pathogenic (PMID: 12642359, 14567970, 16352453, 20087448, 34558151). This variant is present in population databases (no rsID available, gnomAD 0.01%). This premature translational stop signal has been observed in individual(s) with hypertrophic cardiomyopathy (PMID: 31919335, 34558151). ClinVar contains an entry for this variant (Variation ID: 372584). For these reasons, this variant has been classified as Pathogenic.

Blueprint Genetics
Classification: Uncertain significance. Last evaluated: 2023-03-27. Review status: criteria provided, single submitter. Criteria: ACMG Guidelines, 2015. Collection method: clinical testing. Allele origin: germline.

Department of Pathology and Laboratory Medicine, Sinai Health System
Classification: Likely pathogenic for Dilated cardiomyopathy 1M; Hypertrophic cardiomyopathy 12. Last evaluated: 2022-07-14. Review status: criteria provided, single submitter. Criteria: ACMG Guidelines, 2015. Collection method: research. Allele origin: germline.

CHEO Genetics Diagnostic Laboratory, Children's Hospital of Eastern Ontario
Classification: Likely pathogenic for Cardiomyopathy. Last evaluated: 2015-10-15. Review status: criteria provided, single submitter. Criteria: ACMG Guidelines, 2015. Collection method: clinical testing. Allele origin: germline. Study: Canadian Open Genetics Repository.

GeneDx
Classification: Likely pathogenic. Last evaluated: 2015-04-02. Review status: criteria provided, single submitter. Criteria: GeneDx Variant Classification (06012015). Collection method: clinical testing. Allele origin: germline. Affected: yes.
Comment: The R122X variant has not beenpublished as a pathogenic variant, nor has it been reported as a benign polymorphism to our knowledge. The R122Xvariant was not observed in approximately 6,500 individuals of European and African American ancestry inthe NHLBI Exome Sequencing Project, indicating it is not a common benign variant in these populations.R122X is predicted to cause loss of normal protein function either by protein truncation or nonsense-mediated mRNA decay. In vivo studies have shown that CSRP3 (MLP) null mice develop dilatedcardiomyopathy with hypertrophy and heart failure due to a disrupted cardiomyocyte architecture (Arberet al., 1997). Further, myocardial biopsies of a patient with HCM harboring a heterozygous CSRP3missense variant showed myocyte disarray and a significantly reduced level of MPL protein, suggestingthat cardiomyopathy may stem from CSRP3 haploinsufficiency (Geier et al., 2008). Nevertheless, the vastmajority of mutations in the CSRP3 gene reported to date are missense changes (Stenson P et al., 2014).Therefore, this variant is a strong candidate for a pathogenic variant, however the possibility that it is abenign variant cannot be excluded.

Juno Genomics, Hangzhou Juno Genomics, Inc
Classification: Pathogenic for Hypertrophic cardiomyopathy 12. Review status: criteria provided, single submitter. Criteria: ACMG Guidelines, 2015. Collection method: clinical testing. Allele origin: germline.
Comment: Null variant in a gene where loss of function (LOF) is a known mechanism of disease.;Absent from controls (or at extremely low frequency if recessive) in Genome Aggregation Database.;Co-segregation with disease in multiple affected family members.;For recessive disorders, detected in trans with a pathogenic variant.

Diagnostics Centre, Carl Von Ossietzky University Oldenburg
Classification: Likely pathogenic for Hypertrophic cardiomyopathy 12. Last evaluated: 2025-08-28. Review status: no assertion criteria provided. Collection method: clinical testing. Allele origin: germline. Affected: yes. Observed: 1 variant allele. Not counted in ClinVar's aggregate classification.
Comment: The variant CSRP3:c.364C>T p.(Arg122Ter) located in the exon 4 of the CSRP3 gene results from a cytosine-to-thymine substitution at nucleotide position c.364. The variant causes the formation of a premature codon at protein position 122. The variant affects an exon [4/6] present in a biologically relevant transcript and is predicted to cause protein truncation/absent due to nonsense mediated decay, in a gene where loss-of-function is a known mechanism of disease. The variant has also been described in several publications in unrelated individuals affected with HCM and DCM (PMID: 34558151, 31919335). The variant has been classified as (Likely) pathogenic in four entries in Clinvar (VCV000372584.10). The variant is classified as rare in the general population (MAF 6.19 * e-6 in gnomAD, v4.1.0). In summary, this variant is classified as Likely pathogenic.

AiLife Diagnostics
Classification: Uncertain significance. Last evaluated: 2021-09-01. Review status: flagged submission. Criteria: ACMG Guidelines, 2015. Collection method: clinical testing. Allele origin: germline. Affected: yes. Observed: 1 variant allele. Not counted in ClinVar's aggregate classification.
ClinVar note: Reason: Outlier claim with insufficient supporting evidence

Literature cited by the submitters: PubMed 31919335 (cited by 4 submitters); PubMed 33029862 (cited by Ambry Genetics); PubMed 34558151 (cited by 3 submitters); PubMed 12642359 (cited by Labcorp Genetics (formerly Invitae), Labcorp); PubMed 14567970 (cited by Labcorp Genetics (formerly Invitae), Labcorp); PubMed 16352453 (cited by Labcorp Genetics (formerly Invitae), Labcorp); PubMed 20087448 (cited by Labcorp Genetics (formerly Invitae), Labcorp).

NM_003476.5(CSRP3):c.364C>T (p.Arg122Ter)

Gene: CSRP3 (cysteine and glycine rich protein 3; minus strand). Cytogenetic location: 11p15.1.
Variant type: single nucleotide variant.
Coding change: c.364C>T on transcript NM_003476.5 (MANE Select); coding-DNA position 364, C replaced by T.
Protein change: p.Arg122Ter; replaces arginine 122 with a stop codon.
Molecular consequence: nonsense. On other transcripts: synonymous variant (1).
Genome position (GRCh38, 1-based): chr11:19,186,266, G>A on the plus strand (C>T on the coding strand, the complement: CSRP3 is on the minus strand). VCF-style: chr11-19186266-G-A. GRCh37 (hg19) VCF-style: chr11-19207813-G-A.
Other names: c.364C>T (LRG_440t1); c.195C>T, p.Leu65= (NM_001369404.1); short protein forms R122*.
Identifiers: ClinVar variation 372584 (VCV000372584.15), dbSNP rs902082118, ClinGen allele CA16042837.
Genomic context (GRCh38, chr11:19,186,266, plus strand): 5'-AAGGTCTTACCTTGCCACCTCCCATAACCTTCTCAGCAGCATAGACTGACTTGCCACATC[G>A]AGGGCACTTCTCGGACTCTCCAAACTTCGCAGTGAATTTGGAAGGGTTGCTGGTGGTAAC-3'